The following is an entry in ClinVar:

NM_001378457.1(DMXL2):c.6373G>C (p.Glu2125Gln)

Gene: DMXL2 (Dmx like 2; minus strand). Cytogenetic location: 15q21.2.
Variant type: single nucleotide variant.
Coding change: c.6373G>C on transcript NM_001378457.1 (MANE Select); coding-DNA position 6373, G replaced by C.
Protein change: p.Glu2125Gln; replaces glutamic acid 2125 with glutamine.
Molecular consequence: missense variant. On other transcripts: non-coding transcript variant (2).
Genome position (GRCh38, 1-based): chr15:51,480,733, C>G on the plus strand (G>C on the coding strand, the complement: DMXL2 is on the minus strand). VCF-style: chr15-51480733-C-G. GRCh37 (hg19) VCF-style: chr15-51772930-C-G.
Other names: c.6373G>C, p.Glu2125Gln (NM_001174116.3, NM_001378458.1, NM_001378459.1 and 4 more transcripts); c.4465G>C, p.Glu1489Gln (NM_001174117.3); c.4354G>C, p.Glu1452Gln (NM_001378460.1); c.6133G>C, p.Glu2045Gln (NM_001378464.1); short protein forms E1489Q, E2045Q, E1452Q, E2125Q.
Identifiers: ClinVar variation 2047191 (VCV002047191.4), dbSNP rs979848747, ClinGen allele CA392443742.

ClinVar aggregate classification (germline): Uncertain significance (1 of 4 stars; one submission).

Submission:

Labcorp Genetics (formerly Invitae), Labcorp
Classification: Uncertain significance. Last evaluated: 2025-12-03. Review status: criteria provided, single submitter. Criteria: Invitae Variant Classification Sherloc (09022015). Collection method: clinical testing. Allele origin: germline.
Comment: This sequence change replaces glutamic acid, which is acidic and polar, with glutamine, which is neutral and polar, at codon 2125 of the DMXL2 protein (p.Glu2125Gln). This variant is not present in population databases (gnomAD no frequency). This variant has not been reported in the literature in individuals affected with DMXL2-related conditions. ClinVar contains an entry for this variant (Variation ID: 2047191). An algorithm developed to predict the effect of missense changes on protein structure and function (PolyPhen-2) suggests that this variant is likely to be disruptive. In summary, the available evidence is currently insufficient to determine the role of this variant in disease. Therefore, it has been classified as a Variant of Uncertain Significance.